The following is an entry in ClinVar:

ClinVar aggregate classification (germline): Likely pathogenic (1 of 4 stars; one submission).

Conditions:
Coffin-Siris syndrome 1 (CSS1). Also called: ARID1B-Related Coffin-Siris Syndrome; Mental retardation, autosomal dominant 12. Identifiers: Orphanet 1465, MedGen C3281201, MONDO:0007617, OMIM 135900. Disease mechanism: gain of function.

Submission:

Breakthrough Genomics
Classification: Likely pathogenic for Coffin-Siris syndrome 1. Last evaluated: 2021-02-24. Review status: criteria provided, single submitter. Criteria: ACMG Guidelines, 2015. Collection method: clinical testing. Allele origin: germline. Affected: yes.
Comment: This variant is predicted to cause a premature termination of the protein and this will likely result in loss-of-function (LOF), and it is previously reported that LOF is a known mechanism for the causing the ARID1B-RD disease [PMID: 31132234]. This variant has not been previously reported in population databases or in the literature.

NM_001374828.1(ARID1B):c.6533G>A (p.Trp2178Ter)

Gene: ARID1B (AT-rich interaction domain 1B; plus strand). Cytogenetic location: 6q25.3.
Variant type: single nucleotide variant.
Coding change: c.6533G>A on transcript NM_001374828.1 (MANE Select); coding-DNA position 6533, G replaced by A.
Protein change: p.Trp2178Ter; replaces tryptophan 2178 with a stop codon.
Molecular consequence: nonsense.
Genome position (GRCh38, 1-based): chr6:157,207,305, G>A. VCF-style: chr6-157207305-G-A. GRCh37 (hg19) VCF-style: chr6-157528439-G-A.
Other names: p.Trp2055Ter; c.6164G>A (NM_020732.3); c.4034G>A, p.Trp1345Ter (NM_001363725.2); c.6413G>A, p.Trp2138Ter (NM_001371656.1, NM_001374820.1); c.6374G>A, p.Trp2125Ter (NM_017519.3); short protein forms W1345*, W2125*, W2138*, W2178*.
Identifiers: ClinVar variation 3255608 (VCV003255608.2).